The following is an entry in ClinVar:

NM_000246.4(CIITA):c.922C>T (p.Arg308Ter)

Gene: CIITA (class II major histocompatibility complex transactivator; plus strand). Cytogenetic location: 16p13.13.
Variant type: single nucleotide variant.
Coding change: c.922C>T on transcript NM_000246.4 (MANE Select); coding-DNA position 922, C replaced by T.
Protein change: p.Arg308Ter; replaces arginine 308 with a stop codon.
Molecular consequence: nonsense. On other transcripts: non-coding transcript variant (1).
Genome position (GRCh38, 1-based): chr16:10,903,880, C>T. VCF-style: chr16-10903880-C-T. GRCh37 (hg19) VCF-style: chr16-10997737-C-T.
Other names: c.925C>T, p.Arg309Ter (NM_001286402.1, NM_001379332.1); c.775C>T, p.Arg259Ter (NM_001286403.2, NM_001379331.1); c.778C>T, p.Arg260Ter (NM_001379330.1); c.922C>T, p.Arg308Ter (NM_001379333.1); c.853C>T, p.Arg285Ter (NM_001379334.1); short protein forms R259*, R308*, R309*, R260*, R285*.
Identifiers: ClinVar variation 664532 (VCV000664532.10), dbSNP rs567218474, ClinGen allele CA7899942.
Genomic context (GRCh38, chr16:10,903,880, plus strand): 5'-AGCCCCTTCGCTCCATCAGCCACTGACCTGCCCAGCATGCCTGAACCTGCCCTGACCTCC[C>T]GAGCAAACATGACAGGTAAGGACCCTTAGGGCCTGTGAGAGGTACTAGAAGCAGGATCGA-3'

ClinVar aggregate classification (germline): Pathogenic/Likely pathogenic. Review status: criteria provided, multiple submitters, no conflicts (2 of 4 stars). 3 submissions from 3 submitters: Pathogenic (2); Likely pathogenic (1). Last evaluated 2025-09-24.

Conditions:
MHC class II deficiency. Also called: Bare lymphocyte syndrome 2; BLS, TYPE II. Identifiers: Orphanet 572, MedGen C5447452, MONDO:0008855.
MHC class II deficiency 1 (MHC2D1). Also called: SCID, HLA CLASS II-NEGATIVE; BARE LYMPHOCYTE SYNDROME, TYPE II, COMPLEMENTATION GROUP A; Bare lymphocyte syndrome type 2, complementation group A. Identifiers: MedGen C1859534, MONDO:0971005, OMIM 209920.

Allele frequency attached by ClinVar (database versions not stated): gnomAD 0.00001; gnomAD exomes 0.00001; ExAC 0.00002; 1000 Genomes Project 30x 0.00016; 1000 Genomes Project 0.00020.
gnomAD v4.1: 10 of 1,614,182 alleles (0.00062%); highest among the groups gnomAD compares: Admixed American, 0.0083%; no homozygotes.

Submissions (3):

Genesolutions, Medical Genetics Institutes, Ho Chi Minh City, Vietnam
Classification: Pathogenic for MHC class II deficiency 1. Last evaluated: 2025-09-24. Review status: criteria provided, single submitter. Criteria: ACMG Guidelines, 2015. Collection method: clinical testing. Allele origin: germline. Affected: yes.

Natera, Inc.
Classification: Likely pathogenic for Bare lymphocyte syndrome type II. Last evaluated: 2025-07-25. Review status: criteria provided, single submitter. Criteria: Natera Variant Classification Schema (03/2026). Collection method: clinical testing. Allele origin: germline.
Comment: The c.922C>T variant in CIITA is a nonsense variant predicted to introduce a stop codon at amino acid 308. This variant is expected to result in nonsense mediated decay, truncation, or a dysfunctional protein product. This variant is rare in the general population with a frequency below the threshold expected for the associated phenotype(s). Given the available evidence, this variant is classified as Likely Pathogenic.

Labcorp Genetics (formerly Invitae), Labcorp
Classification: Pathogenic for MHC class II deficiency. Last evaluated: 2023-11-20. Review status: criteria provided, single submitter. Criteria: Invitae Variant Classification Sherloc (09022015). Collection method: clinical testing. Allele origin: germline.
Comment: This sequence change creates a premature translational stop signal (p.Arg308*) in the CIITA gene. It is expected to result in an absent or disrupted protein product. Loss-of-function variants in CIITA are known to be pathogenic (PMID: 8402893, 9099848, 26271388). This variant is present in population databases (rs567218474, gnomAD 0.006%). This variant has not been reported in the literature in individuals affected with CIITA-related conditions. ClinVar contains an entry for this variant (Variation ID: 664532). For these reasons, this variant has been classified as Pathogenic.

Literature cited by the submitters: PubMed 8402893 (cited by Labcorp Genetics (formerly Invitae), Labcorp); PubMed 9099848 (cited by Labcorp Genetics (formerly Invitae), Labcorp); PubMed 26271388 (cited by Labcorp Genetics (formerly Invitae), Labcorp).